The following is an entry in ClinVar:

ClinVar aggregate classification (germline): Uncertain significance (1 of 4 stars; one submission).

Conditions:
Ehlers-Danlos syndrome, classic type, 1 (EDSCL1). Also called: EDS I; Ehlers-Danlos syndrome, type 1; EHLERS-DANLOS SYNDROME, GRAVIS TYPE; EHLERS-DANLOS SYNDROME, SEVERE CLASSIC TYPE; Ehlers-Danlos Syndrome, Classic Type, COL5A1-Related. Identifiers: MedGen C0268335, MONDO:0019567, OMIM 130000.
Osteogenesis imperfecta type I (OI1). Also called: Osteogenesis imperfecta type 1; Lobstein's Disease; OI, TYPE I; OSTEOGENESIS IMPERFECTA TARDA; OSTEOGENESIS IMPERFECTA WITH BLUE SCLERAE; Lobstein disease. Identifiers: Orphanet 216796, Orphanet 666, MedGen C0023931, MONDO:0008146, OMIM 166200. Disease mechanism: loss of function.

Allele frequency attached by ClinVar (database versions not stated): gnomAD exomes below 0.00001.
gnomAD v4.1: 1 of 1,614,128 alleles (0.000062%); highest among the groups gnomAD compares: Non-Finnish European, 0.000085%; no homozygotes.

Submission:

Labcorp Genetics (formerly Invitae), Labcorp
Classification: Uncertain significance for Osteogenesis imperfecta type I; Ehlers-Danlos syndrome, classic type, 1. Last evaluated: 2022-08-22. Review status: criteria provided, single submitter. Criteria: Invitae Variant Classification Sherloc (09022015). Collection method: clinical testing. Allele origin: germline.
Comment: This sequence change replaces alanine, which is neutral and non-polar, with valine, which is neutral and non-polar, at codon 117 of the COL1A2 protein (p.Ala117Val). This variant is not present in population databases (gnomAD no frequency). In summary, the available evidence is currently insufficient to determine the role of this variant in disease. Therefore, it has been classified as a Variant of Uncertain Significance. Advanced modeling of protein sequence and biophysical properties (such as structural, functional, and spatial information, amino acid conservation, physicochemical variation, residue mobility, and thermodynamic stability) performed at Invitae indicates that this missense variant is not expected to disrupt COL1A2 protein function. This variant has not been reported in the literature in individuals affected with COL1A2-related conditions.

NM_000089.4(COL1A2):c.350C>T (p.Ala117Val)

Gene: COL1A2 (collagen type I alpha 2 chain; plus strand). Cytogenetic location: 7q21.3.
Variant type: single nucleotide variant.
Coding change: c.350C>T on transcript NM_000089.4 (MANE Select); coding-DNA position 350, C replaced by T.
Protein change: p.Ala117Val; replaces alanine 117 with valine.
Molecular consequence: missense variant.
Genome position (GRCh38, 1-based): chr7:94,404,718, C>T. VCF-style: chr7-94404718-C-T. GRCh37 (hg19) VCF-style: chr7-94034030-C-T.
Other names: short protein forms A117V.
Identifiers: ClinVar variation 1717666 (VCV001717666.6), dbSNP rs2484699861, ClinGen allele CA368219576.